The following is an entry in ClinVar:

ClinVar aggregate classification (germline): Uncertain significance (1 of 4 stars; one submission).

Conditions:
Hypertrophic cardiomyopathy 4. Also called: Familial hypertrophic cardiomyopathy 4. Identifiers: MedGen C1861862, MONDO:0007268, OMIM 115197.

Submission:

3billion
Classification: Uncertain significance for Hypertrophic cardiomyopathy 4. Last evaluated: 2025-11-19. Review status: criteria provided, single submitter. Criteria: ACMG Guidelines, 2015. Collection method: clinical testing. Allele origin: germline. Affected: yes.
Comment: The variant is not observed in the gnomAD v4.1.0 dataset. Predicted Consequence/Location: Intron variant In silico tools predict the variant to alter splicing and produce an abnormal transcript [SpliceAI: 0.82 (>=0.2, moderate evidence for spliceogenicity)]. The variant has been reported as of uncertain significance (ClinVar ID: VCV004292872). Therefore, this variant is classified as VUS according to the recommendation of ACMG/AMP guideline.

NM_000256.3(MYBPC3):c.852-3T>G

Gene: MYBPC3 (myosin binding protein C3; minus strand). Cytogenetic location: 11p11.2.
Variant type: single nucleotide variant.
Coding change: c.852-3T>G on transcript NM_000256.3 (MANE Select); 3 bases into the intron before coding-DNA position 852, T replaced by G.
Molecular consequence: intron variant.
Genome position (GRCh38, 1-based): chr11:47,347,482, A>C on the plus strand (T>G on the coding strand, the complement: MYBPC3 is on the minus strand). VCF-style: chr11-47347482-A-C. GRCh37 (hg19) VCF-style: chr11-47369033-A-C.
Identifiers: ClinVar variation 4292872 (VCV004292872.2).
Genomic context (GRCh38, chr11:47,347,482, plus strand): 5'-TCACCTCTTTTTCAGCAGTGAGCTGAAGTCCAGAATCCCAGTGTCCTCATGGCTATCACT[A>C]TGGAGAGGGACCCCCAGTGAGGCTGCAGTGAGGGACTGGAAAGGGATTAGGAGCAGGATG-3'